The following is an entry in ClinVar:

ClinVar aggregate classification (germline): Uncertain significance (1 of 4 stars; one submission).

Allele frequency attached by ClinVar (database versions not stated): gnomAD exomes below 0.00001.
gnomAD v4.1: 1 of 1,528,378 alleles (0.000065%); highest among the groups gnomAD compares: Non-Finnish European, 0.000089%; no homozygotes.

Submission:

Labcorp Genetics (formerly Invitae), Labcorp
Classification: Uncertain significance. Last evaluated: 2023-05-05. Review status: criteria provided, single submitter. Criteria: Invitae Variant Classification Sherloc (09022015). Collection method: clinical testing. Allele origin: germline.
Comment: In summary, the available evidence is currently insufficient to determine the role of this variant in disease. Therefore, it has been classified as a Variant of Uncertain Significance. Variants that disrupt the consensus splice site are a relatively common cause of aberrant splicing (PMID: 17576681, 9536098). Algorithms developed to predict the effect of sequence changes on RNA splicing suggest that this variant is not likely to affect RNA splicing. This variant has not been reported in the literature in individuals affected with TNNI3K-related conditions. This variant is not present in population databases (gnomAD no frequency). This sequence change falls in intron 23 of the TNNI3K gene. It does not directly change the encoded amino acid sequence of the TNNI3K protein. It affects a nucleotide within the consensus splice site.

Literature cited by the submitters: PubMed 17576681; PubMed 9536098.

NM_015978.3(TNNI3K):c.2351+3G>A

Genes: FPGT-TNNI3K (FPGT-TNNI3K readthrough; plus strand), LRRC53 (leucine rich repeat containing 53; minus strand), TNNI3K (TNNI3 interacting kinase; plus strand). Cytogenetic location: 1p31.1.
Variant type: single nucleotide variant.
Coding change: c.2351+3G>A on transcript NM_015978.3 (MANE Select); 3 bases into the intron after coding-DNA position 2351, G replaced by A.
Molecular consequence: intron variant.
Genome position (GRCh38, 1-based): chr1:74,492,269, G>A. VCF-style: chr1-74492269-G-A. GRCh37 (hg19) VCF-style: chr1-74957953-G-A.
Other names: c.2654+3G>A (NM_001112808.3); c.-8-11301C>T (NM_001364666.2); c.-26-8894C>T (NM_001382280.1).
Identifiers: ClinVar variation 2862260 (VCV002862260.3), dbSNP rs1669119387, ClinGen allele CA1176187510.